The following is an entry in ClinVar:

ClinVar aggregate classification (germline): Uncertain significance (1 of 4 stars; one submission).

Conditions:
Inborn genetic diseases. Identifiers: MedGen C0950123, MeSH D030342.

Submission:

Ambry Genetics
Classification: Uncertain significance for Inborn genetic diseases. Last evaluated: 2025-10-22. Review status: criteria provided, single submitter. Criteria: Ambry Variant Classification Scheme 2023. Collection method: clinical testing. Allele origin: germline.
Comment: The p.D367N variant (also known as c.1099G>A), located in coding exon 4 of the GATA2 gene, results from a G to A substitution at nucleotide position 1099. The aspartic acid at codon 367 is replaced by asparagine, an amino acid with highly similar properties. This amino acid position is conserved. In addition, the in silico prediction for this alteration is inconclusive. Based on the available evidence, the clinical significance of this variant remains unclear.

NM_032638.5(GATA2):c.1099G>A (p.Asp367Asn)

Gene: GATA2 (GATA binding protein 2; minus strand). Cytogenetic location: 3q21.3.
Variant type: single nucleotide variant.
Coding change: c.1099G>A on transcript NM_032638.5 (MANE Select); coding-DNA position 1099, G replaced by A.
Protein change: p.Asp367Asn; replaces aspartic acid 367 with asparagine.
Molecular consequence: missense variant.
Genome position (GRCh38, 1-based): chr3:128,481,863, C>T on the plus strand (G>A on the coding strand, the complement: GATA2 is on the minus strand). VCF-style: chr3-128481863-C-T. GRCh37 (hg19) VCF-style: chr3-128200706-C-T.
Other names: c.1099G>A, p.Asp367Asn (NM_001145661.2); c.1057G>A, p.Asp353Asn (NM_001145662.1); short protein forms D353N, D367N.
Identifiers: ClinVar variation 4620629 (VCV004620629.1).